The following is an entry in ClinVar:

ClinVar aggregate classification (germline): Benign. Review status: criteria provided, multiple submitters, no conflicts (2 of 4 stars). 2 submissions from 2 submitters: Benign (2). Last evaluated 2018-01-13.

Conditions:
Lissencephaly 4 (LIS4). Also called: Lissencephaly 4 (with microcephaly). Identifiers: Orphanet 1083, MedGen C3151461, MONDO:0013527, OMIM 614019.

Allele frequency attached by ClinVar (database versions not stated): gnomAD 0.01063 and 0.01128; 1000 Genomes Project 0.01178; 1000 Genomes Project 30x 0.01218; TOPMed 0.01258.

Submissions (2):

Illumina Laboratory Services, Illumina
Classification: Benign for Lissencephaly 4. Last evaluated: 2018-01-13. Review status: criteria provided, single submitter. Criteria: ICSL Variant Classification Criteria 13 December 2019. Collection method: clinical testing. Allele origin: germline.
Comment: This variant was observed in the ICSL laboratory as part of a predisposition screen in an ostensibly healthy population. It had not been previously curated by ICSL or reported in the Human Gene Mutation Database (HGMD: prior to June 1st, 2018), and was therefore a candidate for classification through an automated scoring system. Utilizing variant allele frequency, disease prevalence and penetrance estimates, and inheritance mode, an automated score was calculated to assess if this variant is too frequent to cause the disease. Based on the score and internal cut-off values, a variant classified as benign is not then subjected to further curation. The score for this variant resulted in a classification of benign for this disease.

GeneDx
Classification: Benign. Last evaluated: 2015-08-07. Review status: criteria provided, single submitter. Criteria: GeneDx Variant Classification (06012015). Collection method: clinical testing. Allele origin: germline. Affected: yes.
Comment: This variant is considered likely benign or benign based on one or more of the following criteria: it is a conservative change, it occurs at a poorly conserved position in the protein, it is predicted to be benign by multiple in silico algorithms, and/or has population frequency not consistent with disease.

NM_001143979.2(NDE1):c.-164C>T

Gene: NDE1 (nudE neurodevelopment protein 1; plus strand). Cytogenetic location: 16p13.11.
Variant type: single nucleotide variant.
Coding change: c.-164C>T on transcript NM_001143979.2; 164 bases upstream of the start codon, C replaced by T.
Molecular consequence: 5 prime UTR variant.
Genome position (GRCh38, 1-based): chr16:15,649,349, C>T. VCF-style: chr16-15649349-C-T. GRCh37 (hg19) VCF-style: chr16-15743206-C-T.
Identifiers: ClinVar variation 318036 (VCV000318036.7), dbSNP rs114855401, ClinGen allele CA10637198.
Genomic context (GRCh38, chr16:15,649,349, plus strand): 5'-GCTGTTAAGTCATTTAGTCCTCTGCATAATGTCGTTTGTTTGTTTGTCTGTTCTTTAAGA[C>T]GGAGTCTTGCCCTGTCGCCTAGGCTAGAGTGCAGTGGTGTGATCTCGGCTCACTGCAACC-3'